The following is an entry in ClinVar:

NM_007227.3(GPR45):c.884G>A (p.Arg295His)

Gene: GPR45 (G protein-coupled receptor 45; plus strand). Cytogenetic location: 2q12.1.
Variant type: single nucleotide variant.
Coding change: c.884G>A on transcript NM_007227.3 (MANE Select); coding-DNA position 884, G replaced by A.
Protein change: p.Arg295His; replaces arginine 295 with histidine.
Molecular consequence: missense variant.
Genome position (GRCh38, 1-based): chr2:105,242,742, G>A. VCF-style: chr2-105242742-G-A. GRCh37 (hg19) VCF-style: chr2-105859199-G-A.
Other names: short protein forms R295H.
Identifiers: ClinVar variation 1987861 (VCV001987861.4), dbSNP rs750639584, ClinGen allele CA1813665.

ClinVar aggregate classification (germline): Uncertain significance (1 of 4 stars; one submission).

Allele frequency attached by ClinVar (database versions not stated): ExAC 0.00001; gnomAD 0.00001; gnomAD exomes 0.00001; TOPMed 0.00002.

Submission:

Labcorp Genetics (formerly Invitae), Labcorp
Classification: Uncertain significance. Last evaluated: 2024-08-02. Review status: criteria provided, single submitter. Criteria: Invitae Variant Classification Sherloc (09022015). Collection method: clinical testing. Allele origin: germline.
Comment: This sequence change replaces arginine, which is basic and polar, with histidine, which is basic and polar, at codon 295 of the GPR45 protein (p.Arg295His). This variant is present in population databases (rs750639584, gnomAD 0.007%). This variant has not been reported in the literature in individuals affected with GPR45-related conditions. ClinVar contains an entry for this variant (Variation ID: 1987861). An algorithm developed to predict the effect of missense changes on protein structure and function (PolyPhen-2) suggests that this variant is likely to be tolerated. In summary, the available evidence is currently insufficient to determine the role of this variant in disease. Therefore, it has been classified as a Variant of Uncertain Significance.